The following is an entry in ClinVar:

ClinVar aggregate classification (germline): Likely benign (0 of 4 stars; one submission).

Conditions:
TBX3-related disorder. Also called: TBX3-related condition.

gnomAD v4.1: 3 of 1,576,388 alleles (0.00019%); highest among the groups gnomAD compares: African/African-American, 0.0027%; no homozygotes.

Submission:

PreventionGenetics, part of Exact Sciences
Classification: Likely benign for TBX3-related condition. Last evaluated: 2021-08-11. Review status: no assertion criteria provided. Collection method: clinical testing. Allele origin: germline.
Comment: This variant is classified as likely benign based on ACMG/AMP sequence variant interpretation guidelines (Richards et al. 2015 PMID: 25741868, with internal and published modifications).

NM_005996.4(TBX3):c.1761C>T (p.Tyr587=)

Gene: TBX3 (T-box transcription factor 3; minus strand). Cytogenetic location: 12q24.21.
Variant type: single nucleotide variant.
Coding change: c.1761C>T on transcript NM_005996.4 (MANE Select); coding-DNA position 1761, C replaced by T.
Protein change: p.Tyr587=; no amino-acid change (tyrosine 587 retained).
Molecular consequence: synonymous variant.
Genome position (GRCh38, 1-based): chr12:114,672,252, G>A on the plus strand (C>T on the coding strand, the complement: TBX3 is on the minus strand). VCF-style: chr12-114672252-G-A. GRCh37 (hg19) VCF-style: chr12-115110057-G-A.
Other names: c.1821C>T, p.Tyr607= (NM_016569.4).
Identifiers: ClinVar variation 3356936 (VCV003356936.1).
Genomic context (GRCh38, chr12:114,672,252, plus strand): 5'-GGGGTGGCGGTGCACCGAGCTGGAGGCTGCCGCAGAGGAGGCGGCCGCCGCTGCGGCCAT[G>A]TACGTGTAGGGGTAAGGGAACAGGCTTCCGAAAGGGGACATGGCCAGGCCCTGGGGTGAG-3'
Protein context (NP_005987.3, residues 577-597): FGSLFPYPYT[Tyr587=]MAAAAAASSA